The following is an entry in ClinVar:

ClinVar aggregate classification (germline): Conflicting classifications of pathogenicity. Review status: criteria provided, conflicting classifications (1 of 4 stars). 5 submissions from 5 submitters: Uncertain significance (3); Likely benign (1). 1 of the submissions does not count toward it. Last evaluated 2025-09-28.

Conditions:
Osteogenesis imperfecta type 7 (OI7). Also called: OSTEOGENESIS IMPERFECTA, TYPE IIB; Osteogenesis imperfecta type 2B; OI type 2B; Osteogenesis imperfecta, perinatal lethal autosomal recessive; OI type IIB; OI type 7. Identifiers: MedGen C1853162, MONDO:0012536, OMIM 610682.
CRTAP-related disorder. Also called: CRTAP-related condition.
Inborn genetic diseases. Identifiers: MedGen C0950123, MeSH D030342.

Allele frequency attached by ClinVar (database versions not stated): gnomAD exomes 0.00003 and 0.00006; gnomAD 0.00005 and 0.00006; TOPMed 0.00005; ExAC 0.00013.
gnomAD v4.1: 65 of 1,601,340 alleles (0.0041%); highest among the groups gnomAD compares: Middle Eastern, 0.022%; 1 homozygote.

Submissions (5):

Labcorp Genetics (formerly Invitae), Labcorp
Classification: Likely benign for Osteogenesis imperfecta type 7. Last evaluated: 2025-09-28. Review status: criteria provided, single submitter. Criteria: Invitae Variant Classification Sherloc (09022015). Collection method: clinical testing. Allele origin: germline.

ARUP Laboratories, Molecular Genetics and Genomics, ARUP Laboratories
Classification: Uncertain significance for Osteogenesis imperfecta type 7. Last evaluated: 2025-06-24. Review status: criteria provided, single submitter. Criteria: ARUP Molecular Germline Variant Investigation Process 2024. Collection method: clinical testing. Allele origin: germline.
Comment: The CRTAP c.456G>C; p.Gln152His variant (rs779447329), to our knowledge, is not reported in the medical literature but is reported in ClinVar (Variation ID: 465812). This variant is found in the general population with an overall allele frequency of 0.006% (15/244,658 alleles, including one homozygote) in the Genome Aggregation Database (v2.1.1). Computational analyses are uncertain whether this variant is neutral or deleterious (REVEL: 0.514). Due to limited information, the clinical significance of this variant is uncertain at this time.

GeneDx
Classification: Uncertain significance. Last evaluated: 2025-04-29. Review status: criteria provided, single submitter. Criteria: GeneDx Variant Classification Process June 2021. Collection method: clinical testing. Allele origin: germline. Affected: yes.
Comment: In silico analysis indicates that this missense variant does not alter protein structure/function; Has not been previously published as pathogenic or benign to our knowledge

Ambry Genetics
Classification: Uncertain significance for Inborn genetic diseases. Last evaluated: 2021-09-01. Review status: criteria provided, single submitter. Criteria: Ambry Variant Classification Scheme 2023. Collection method: clinical testing. Allele origin: germline.

PreventionGenetics, part of Exact Sciences
Classification: Uncertain significance for CRTAP-related condition. Last evaluated: 2024-06-21. Review status: no assertion criteria provided. Collection method: clinical testing. Allele origin: germline. Not counted in ClinVar's aggregate classification.
Comment: The CRTAP c.456G>C variant is predicted to result in the amino acid substitution p.Gln152His. To our knowledge, this variant has not been reported in the literature. This variant is reported in 0.085% of alleles in individuals of Ashkenazi Jewish descent in gnomAD. Although we suspect that this variant may be benign, at this time, the clinical significance of this variant is uncertain due to the absence of conclusive functional and genetic evidence.

NM_006371.5(CRTAP):c.456G>C (p.Gln152His)

Gene: CRTAP (cartilage associated protein; plus strand). Cytogenetic location: 3p22.3.
Variant type: single nucleotide variant.
Coding change: c.456G>C on transcript NM_006371.5 (MANE Select); coding-DNA position 456, G replaced by C.
Protein change: p.Gln152His; replaces glutamine 152 with histidine.
Molecular consequence: missense variant.
Genome position (GRCh38, 1-based): chr3:33,114,533, G>C. VCF-style: chr3-33114533-G-C. GRCh37 (hg19) VCF-style: chr3-33156025-G-C.
Other names: c.456G>C, p.Gln152His (NM_001393363.1, NM_001393364.1, NM_001393365.1); short protein forms Q152H.
Identifiers: ClinVar variation 465812 (VCV000465812.14), dbSNP rs779447329, ClinGen allele CA2300279.